The following is an entry in ClinVar:

ClinVar aggregate classification (germline): Conflicting classifications of pathogenicity. Review status: criteria provided, conflicting classifications (1 of 4 stars). 2 submissions from 2 submitters: Uncertain significance (1); Likely benign (1). Last evaluated 2023-03-23.

Conditions:
Hereditary cancer-predisposing syndrome. Also called: Hereditary neoplastic syndrome; Neoplastic Syndromes, Hereditary; Tumor predisposition; Hereditary Cancer Syndrome. Identifiers: Orphanet 140162, MedGen C0027672, MeSH D009386, MONDO:0015356.

Submissions (2):

University of Washington Department of Laboratory Medicine, University of Washington
Classification: Likely benign for Hereditary cancer-predisposing syndrome. Last evaluated: 2023-03-23. Review status: criteria provided, single submitter. Criteria: Dines et al. (Genet Med. 2020). Collection method: curation. Allele origin: germline.
Comment: Missense variant in a coldspot region where missense variants are very unlikely to be pathogenic (PMID:31911673).

BRCA2 exon 11 coldspot. Reclassification based on statistical prior probability.

Institute for Clinical Genetics, University Hospital TU Dresden, University Hospital TU Dresden
Classification: Uncertain significance. Last evaluated: 2021-11-03. Review status: criteria provided, single submitter. Criteria: ACMG Guidelines, 2015. Collection method: clinical testing. Allele origin: germline.

NM_000059.4(BRCA2):c.5449T>C (p.Ser1817Pro)

Gene: BRCA2 (BRCA2 DNA repair associated; plus strand). Cytogenetic location: 13q13.1.
Variant type: single nucleotide variant.
Coding change: c.5449T>C on transcript NM_000059.4 (MANE Select); coding-DNA position 5449, T replaced by C.
Protein change: p.Ser1817Pro; replaces serine 1817 with proline.
Molecular consequence: missense variant.
Genome position (GRCh38, 1-based): chr13:32,339,804, T>C. VCF-style: chr13-32339804-T-C. GRCh37 (hg19) VCF-style: chr13-32913941-T-C.
Other names: short protein forms S1817P.
Identifiers: ClinVar variation 1319575 (VCV001319575.6), dbSNP rs876658566, ClinGen allele CA387785586.